The following is an entry in ClinVar:

NM_004385.5(VCAN):c.7840G>T (p.Asp2614Tyr)

Genes: VCAN (versican; plus strand), VCAN-AS1 (VCAN antisense RNA 1; minus strand). Cytogenetic location: 5q14.3.
Variant type: single nucleotide variant.
Coding change: c.7840G>T on transcript NM_004385.5 (MANE Select); coding-DNA position 7840, G replaced by T.
Protein change: p.Asp2614Tyr; replaces aspartic acid 2614 with tyrosine.
Molecular consequence: missense variant. On other transcripts: intron variant (2).
Genome position (GRCh38, 1-based): chr5:83,540,843, G>T. VCF-style: chr5-83540843-G-T. GRCh37 (hg19) VCF-style: chr5-82836662-G-T.
Other names: c.4879G>T, p.Asp1627Tyr (NM_001164097.2); c.4004-4694G>T (NM_001164098.2); c.1043-4694G>T (NM_001126336.3); short protein forms D1627Y, D2614Y.
Identifiers: ClinVar variation 3364208 (VCV003364208.2).

ClinVar aggregate classification (germline): Uncertain significance (1 of 4 stars; one submission).

Submission:

GeneDx
Classification: Uncertain significance. Last evaluated: 2025-09-16. Review status: criteria provided, single submitter. Criteria: GeneDx Variant Classification Process June 2021. Collection method: clinical testing. Allele origin: germline.
Comment: Not observed at significant frequency in large population cohorts (gnomAD); In silico analysis suggests that this missense variant does not alter protein structure/function; Has not been previously published as pathogenic or benign to our knowledge